The following is an entry in ClinVar:

NM_000090.4(COL3A1):c.4247G>T (p.Gly1416Val)

Gene: COL3A1 (collagen type III alpha 1 chain; plus strand). Cytogenetic location: 2q32.2.
Variant type: single nucleotide variant.
Coding change: c.4247G>T on transcript NM_000090.4 (MANE Select); coding-DNA position 4247, G replaced by T.
Protein change: p.Gly1416Val; replaces glycine 1416 with valine.
Molecular consequence: missense variant.
Genome position (GRCh38, 1-based): chr2:189,010,883, G>T. VCF-style: chr2-189010883-G-T. GRCh37 (hg19) VCF-style: chr2-189875609-G-T.
Other names: short protein forms G1416V.
Identifiers: ClinVar variation 3073047 (VCV003073047.1), dbSNP rs2469170875, ClinGen allele CA349849719.
Genomic context (GRCh38, chr2:189,010,883, plus strand): 5'-ATGAAGGTGAATTCAAGGCTGAAGGAAATAGCAAATTCACCTACACAGTTCTGGAGGATG[G>T]TTGCACGGTAGGAAACATTTTTCTCAATATAGGTCATAAAGCAGTCAGCATTTTAGTTTA-3'
Protein context (NP_000081.2, residues 1406-1426): SKFTYTVLED[Gly1416Val]CTKHTGEWSK

ClinVar aggregate classification (germline): Uncertain significance (1 of 4 stars; one submission).

Conditions:
Ehlers-Danlos syndrome, type 4 (EDSVASC). Also called: Ehlers-Danlos Syndrome Type IV; Ehlers-Danlos syndrome vascular type; Ehlers Danlos syndrome, ecchymotic type; Ehlers Danlos syndrome, arterial type; Ehlers Danlos syndrome, Sack-Barabas type. Identifiers: Orphanet 286, MedGen C0268338, MONDO:0017314, OMIM 130050.

Submission:

All of Us Research Program, National Institutes of Health
Classification: Uncertain significance for Ehlers-Danlos syndrome, type 4. Last evaluated: 2023-11-30. Review status: criteria provided, single submitter. Criteria: ACMG Guidelines, 2015. Collection method: clinical testing. Allele origin: germline. Inheritance: Autosomal dominant inheritance. Observed: 1 variant allele, 1 heterozygote.
Comment: This study involves interpretation of variants in research participants for the purpose of population health screening. Participant phenotype was not available at the time of variant classification. Additional details can be found in publication PMID: 35346344, PMCID: PMC8962531